The following is an entry in ClinVar:

NM_000051.4(ATM):c.798G>A (p.Trp266Ter)

Gene: ATM (ATM serine/threonine kinase; plus strand). Cytogenetic location: 11q22.3.
Variant type: single nucleotide variant.
Coding change: c.798G>A on transcript NM_000051.4 (MANE Select); coding-DNA position 798, G replaced by A.
Protein change: p.Trp266Ter; replaces tryptophan 266 with a stop codon.
Molecular consequence: nonsense.
Genome position (GRCh38, 1-based): chr11:108,244,923, G>A. VCF-style: chr11-108244923-G-A. GRCh37 (hg19) VCF-style: chr11-108115650-G-A.
Other names: c.798G>A, p.Trp266Ter (NM_001351834.2); short protein forms W266*.
Identifiers: ClinVar variation 940753 (VCV000940753.7), dbSNP rs2079766417, ClinGen allele CA382529365.

ClinVar aggregate classification (germline): Pathogenic (1 of 4 stars; one submission).

Conditions:
Ataxia-telangiectasia syndrome (AT). Also called: Cerebello-oculocutaneous telangiectasia; Immunodeficiency with ataxia telangiectasia; LOUIS-BAR SYNDROME; AT, COMPLEMENTATION GROUP C; ATAXIA-TELANGIECTASIA, COMPLEMENTATION GROUP A; ATAXIA-TELANGIECTASIA, FRESNO VARIANT. Identifiers: Orphanet 100, MedGen C0004135, MONDO:0008840, OMIM 208900.

Submission:

Labcorp Genetics (formerly Invitae), Labcorp
Classification: Pathogenic for Ataxia-telangiectasia syndrome. Last evaluated: 2019-07-22. Review status: criteria provided, single submitter. Criteria: Invitae Variant Classification Sherloc (09022015). Collection method: clinical testing. Allele origin: germline.
Comment: This variant has not been reported in the literature in individuals with ATM-related conditions. For these reasons, this variant has been classified as Pathogenic. Loss-of-function variants in ATM are known to be pathogenic (PMID: 23807571, 25614872). This variant is not present in population databases (ExAC no frequency). This sequence change creates a premature translational stop signal (p.Trp266*) in the ATM gene. It is expected to result in an absent or disrupted protein product.

Literature cited by the submitters: PubMed 23807571; PubMed 25614872.